The following is an entry in ClinVar:

ClinVar aggregate classification (germline): Pathogenic. Review status: criteria provided, multiple submitters, no conflicts (2 of 4 stars). 3 submissions from 3 submitters: Pathogenic (3). Last evaluated 2026-04-14.

Conditions:
Progressive familial intrahepatic cholestasis type 3. Also called: Low Gamma-GT Familial Intrahepatic Cholestasis; MDR3 DEFICIENCY. Identifiers: Orphanet 79305, MedGen C1865643, MONDO:0011214, OMIM 602347.
Familial intrahepatic cholestasis. Identifiers: Orphanet 284385, MedGen CN296401, MONDO:0017290.

Allele frequency attached by ClinVar (database versions not stated): ExAC 0.00001; TOPMed 0.00002.

Submissions (3):

Genomenon, Inc
Classification: Pathogenic for Familial intrahepatic cholestasis. Last evaluated: 2026-04-14. Review status: criteria provided, single submitter. Criteria: Genomenon Sequence Variant Interpretation Standards - Updated. Collection method: curation. Allele origin: germline. Affected: yes.
Comment: ABCB4 c.3081+1G>C is a canonical splice variant affecting the donor splice site of intron 24. It is predicted to affect mRNA splicing, leading to a deleterious effect on the ABCB4 protein. This variant has been observed in at least one proband with an ABCB4-related disorder (PMID:22669981). It is absent or not present at a significant frequency in gnomAD. In conclusion, we classify ABCB4 c.3081+1G>C as a pathogenic variant.

Clinical Genomics Laboratory, Washington University in St. Louis
Classification: Pathogenic for Progressive familial intrahepatic cholestasis type 3. Last evaluated: 2025-03-15. Review status: criteria provided, single submitter. Criteria: ACMG Guidelines, 2015. Collection method: clinical testing. Allele origin: germline. Affected: yes.
Comment: The ABCB4 c.2800G>A (p.Ala934Thr) variant has been reported in at least seven individuals affected with progressive familial intrahepatic cholestasis type 3 in both heterozygous and compound heterozygous states (Gordo-Gilart R et al., PMID: 26900700; Gordo-Gilart R et al., PMID: 26153658; Hakim A et al., PMID: 31000363; Hertel PM et al., PMID: 34016879; Lodschmidt ML et al., PMID: 26126923; Poipon R et al., PMID: 20537830; Rosmorduc O et al., PMID: 12891548). This variant has been reported in the ClinVar database as a likely pathogenic variant by two submitters, a variant of uncertain significance by 10 submitters, and a benign variant by one submitter (Variation ID: 281139). The highest population minor allele frequency in the population database Genome Aggregation Database (v.4.1) is 1.3% in the African population, which is higher than the incidence of progressive familial intrahepatic cholestasis type 3 (Siddiqi IA et al., PMID: 32644743). Computational predictors indicate that the variant is damaging, evidence that correlates with an impact on ABCB4 function. Functional studies show that the variant resulted in the retention of ABCB4 in the endoplasmic reticulum, thus failing to target the plasma membrane, indicating that this variant impacts protein function (Gordo-Gilart R et al., PMID: 26153658). Due to conflicting information, and based on ACMG/AMP guidelines for variant interpretation (Richards S et al., PMID: 25741868), the clinical significance of this variant is uncertain at this time.The ABCB4 c.3081+1G>C variant has been reported in one individual affected with Progressive Familial Intrahepatic Cholestasis Type 3, who was compound heterozygous for the variant and a variant of uncertain significance (Sticova E et al., PMID: 31728073). This variant has been reported in the ClinVar database as a pathogenic variant by one submitter (Variation ID: 497633). This variant occurs within the canonical splice donor site, which is predicted to cause skipping of the exon, leading to an out-of-frame transcript. This variant is absent from the general population (gnomAD v.4.1), indicating it is not a common variant. Based on available information and the ACMG/AMP guidelines for variant interpretation (Richards S et al., PMID: 25741868), this variant is classified as pathogenic.

Eurofins Ntd Llc (ga)
Classification: Pathogenic. Last evaluated: 2016-09-27. Review status: criteria provided, single submitter. Criteria: EGL Classification Definitions 2015. Collection method: clinical testing. Allele origin: germline. Observed: 1 variant allele, 1 heterozygote.

Literature cited by the submitters: PubMed 22669981 (cited by Genomenon, Inc).

NM_000443.4(ABCB4):c.3081+1G>C

Gene: ABCB4 (ATP binding cassette subfamily B member 4; minus strand). Cytogenetic location: 7q21.12.
Variant type: single nucleotide variant.
Coding change: c.3081+1G>C on transcript NM_000443.4 (MANE Select); the canonical splice donor site of the intron after coding-DNA position 3081, G replaced by C.
Molecular consequence: splice donor variant.
Genome position (GRCh38, 1-based): chr7:87,409,235, C>G on the plus strand (G>C on the coding strand, the complement: ABCB4 is on the minus strand). VCF-style: chr7-87409235-C-G. GRCh37 (hg19) VCF-style: chr7-87038551-C-G.
Other names: c.2940+1G>C (NM_018850.3); c.3081+1G>C (NM_018849.3).
Identifiers: ClinVar variation 497633 (VCV000497633.7), dbSNP rs750829010, ClinGen allele CA4326871.
Genomic context (GRCh38, chr7:87,409,235, plus strand): 5'-TAGCAGACAGCAAACCTTAGGGAAAAATTGATCAAGCATCATCAGGCATCAGAGAACTTA[C>G]AGGCTTCAGCCCCTCTTCACTGTAGCTGTCAATCAGAGGTTGTCTTTCAAACAGCATGAA-3'